The following is an entry in ClinVar:

NM_017617.5(NOTCH1):c.62G>A (p.Gly21Asp)

Gene: NOTCH1 (notch receptor 1; minus strand). Cytogenetic location: 9q34.3.
Variant type: single nucleotide variant.
Coding change: c.62G>A on transcript NM_017617.5 (MANE Select); coding-DNA position 62, G replaced by A.
Protein change: p.Gly21Asp; replaces glycine 21 with aspartic acid.
Molecular consequence: missense variant.
Genome position (GRCh38, 1-based): chr9:136,544,102, C>T on the plus strand (G>A on the coding strand, the complement: NOTCH1 is on the minus strand). VCF-style: chr9-136544102-C-T. GRCh37 (hg19) VCF-style: chr9-139438554-C-T.
Other names: c.62G>A, p.Gly21Asp (LRG_1122t1); short protein forms G21D.
Identifiers: ClinVar variation 451449 (VCV000451449.2), dbSNP rs1554733407, ClinGen allele CA375579362.
Genomic context (GRCh38, chr9:136,544,102, plus strand): 5'-TTGGCCGCTTCACACTTCCCGCCATTCAGGCAGGTCTCACCGGGCTGGGAGCATCGCGGG[C>T]CTAGGCAGGGGCAGGAGAAGAGAGGTCAGTCTCACCCGCACCACCACCACCGAAGGCCCT-3'
Protein context (NP_060087.3, residues 11-31): LALLPALAAR[Gly21Asp]PRCSQPGETC

ClinVar aggregate classification (germline): Uncertain significance (1 of 4 stars; one submission).

Submission:

GeneDx
Classification: Uncertain significance. Last evaluated: 2017-08-18. Review status: criteria provided, single submitter. Criteria: GeneDx Variant Classification (06012015). Collection method: clinical testing. Allele origin: germline. Affected: yes.
Comment: A variant of uncertain significance has been identified in the NOTCH1 gene. The G21D variant has not been published as pathogenic or been reported as benign to our knowledge. This variant is not observed in large population cohorts (Lek et al., 2016; 1000 Genomes Consortium et al., 2015; Exome Variant Server). Additionally, the G21D variant is a non-conservative amino acid substitution, which is likely to impact secondary protein structure as these residues differ in polarity, charge, size and/or other properties. Nevertheless, this substitution occurs at a position that is not conserved. Furthermore, in silico analysis is inconsistent in its predictions as to whether or not the variant is damaging to the protein structure/function.